The following is an entry in ClinVar:

NM_001287.6(CLCN7):c.1928A>C (p.Lys643Thr)

Gene: CLCN7 (chloride voltage-gated channel 7; minus strand). Cytogenetic location: 16p13.3.
Variant type: single nucleotide variant.
Coding change: c.1928A>C on transcript NM_001287.6 (MANE Select); coding-DNA position 1928, A replaced by C.
Protein change: p.Lys643Thr; replaces lysine 643 with threonine.
Molecular consequence: missense variant.
Genome position (GRCh38, 1-based): chr16:1,448,440, T>G on the plus strand (A>C on the coding strand, the complement: CLCN7 is on the minus strand). VCF-style: chr16-1448440-T-G. GRCh37 (hg19) VCF-style: chr16-1498441-T-G.
Other names: c.1856A>C, p.Lys619Thr (NM_001114331.3); short protein forms K619T, K643T.
Identifiers: ClinVar variation 2986167 (VCV002986167.3), dbSNP rs1037682766, ClinGen allele CA276668753.

ClinVar aggregate classification (germline): Uncertain significance (1 of 4 stars; one submission).

Submission:

Labcorp Genetics (formerly Invitae), Labcorp
Classification: Uncertain significance. Last evaluated: 2023-08-16. Review status: criteria provided, single submitter. Criteria: Invitae Variant Classification Sherloc (09022015). Collection method: clinical testing. Allele origin: germline.
Comment: Advanced modeling of protein sequence and biophysical properties (such as structural, functional, and spatial information, amino acid conservation, physicochemical variation, residue mobility, and thermodynamic stability) performed at Invitae indicates that this missense variant is not expected to disrupt CLCN7 protein function. This sequence change replaces lysine, which is basic and polar, with threonine, which is neutral and polar, at codon 643 of the CLCN7 protein (p.Lys643Thr). This variant is not present in population databases (gnomAD no frequency). This variant has not been reported in the literature in individuals affected with CLCN7-related conditions. In summary, the available evidence is currently insufficient to determine the role of this variant in disease. Therefore, it has been classified as a Variant of Uncertain Significance.